The following is an entry in ClinVar:

ClinVar aggregate classification (germline): Conflicting classifications of pathogenicity. Review status: criteria provided, conflicting classifications (1 of 4 stars). 3 submissions from 3 submitters: Likely pathogenic (2); Uncertain significance (1). Last evaluated 2025-12-29.

Conditions:
Neurodevelopmental disorder. Identifiers: MedGen C1535926, MeSH D065886, MONDO:0700092.
Neurodevelopmental disorder with hypotonia, feeding difficulties, facial dysmorphism, and brain abnormalities. Identifiers: MedGen C5935629, MONDO:0971043, OMIM 620852.

Submissions (3):

3billion
Classification: Likely pathogenic for Neurodevelopmental disorder with hypotonia, feeding difficulties, facial dysmorphism, and brain abnormalities. Last evaluated: 2025-12-29. Review status: criteria provided, single submitter. Criteria: ACMG Guidelines, 2015. Collection method: clinical testing. Allele origin: germline. Affected: yes.
Comment: The variant is observed at an extremely low frequency in the gnomAD v4.1.0 dataset (total allele frequency: <0.001%). Predicted Consequence/Location: Frameshift: predicted to result in a loss or disruption of normal protein function through protein truncation. The predicted truncated protein may be shortened by more than 10%. The variant has been reported to be associated with WBP4-related disorder (ClinVar ID: VCV002500813 /PMID: 37963460). Therefore, this variant is classified as Likely pathogenic according to the recommendation of ACMG/AMP guideline.

Greenwood Genetic Center Diagnostic Laboratories, Greenwood Genetic Center
Classification: Uncertain significance. Last evaluated: 2025-10-03. Review status: criteria provided, single submitter. Criteria: ACMG Guidelines, 2015. Collection method: clinical testing. Allele origin: germline. Affected: yes.
Comment: PM2, PM3_Supporting

Hadassah Hebrew University Medical Center
Classification: Likely pathogenic for Neurodevelopmental disorder. Last evaluated: 2023-05-01. Review status: criteria provided, single submitter. Criteria: ACMG Guidelines, 2015. Collection method: clinical testing. Allele origin: germline. Affected: yes. Observed: 1 homozygote.

Literature cited by the submitters: PubMed 37963460 (cited by 3billion).

NM_007187.5(WBP4):c.944del (p.Pro315fs)

Gene: WBP4 (WW domain binding protein 4; plus strand). Cytogenetic location: 13q14.11.
Variant type: Deletion.
Coding change: c.944del on transcript NM_007187.5 (MANE Select); coding-DNA position 944, one base deleted (C; older notation c.944delC).
Protein change: p.Pro315fs; shifts the reading frame from proline 315.
Molecular consequence: frameshift variant.
Genome position (GRCh38, 1-based): chr13:41,082,727, C deleted; the last of 2 consecutive C bases (chr13:41,082,726-41,082,727); deleting either gives the same sequence. VCF-style (leftmost placement, unchanged base first): chr13-41082725-TC-T. GRCh37 (hg19) VCF-style: chr13-41656861-TC-T.
Other names: c.944delC (NM_007187.5); short protein forms P315fs.
Identifiers: ClinVar variation 2500813 (VCV002500813.3), dbSNP rs1427720732, ClinGen allele CA483466792.
Genomic context (GRCh38, chr13:41,082,725, plus strand): 5'-ACCCTGTCAAATAGAGTTTTACTTTAACTCTATTTCCAGTGAGGAGGTAGATTTGGAACT[TC>T]CAAGCACTGAAAATGAGTATGTATCAACTTCAGAAGCTGATGGTGGCGGAGAACCCAAAG-3'